The following is an entry in ClinVar:

NM_001267550.2(TTN):c.28790C>T (p.Thr9597Ile)

Gene: TTN (titin; minus strand). Cytogenetic location: 2q31.2.
Variant type: single nucleotide variant.
Coding change: c.28790C>T on transcript NM_001267550.2 (MANE Select); coding-DNA position 28790, C replaced by T.
Protein change: p.Thr9597Ile; replaces threonine 9597 with isoleucine.
Molecular consequence: missense variant. On other transcripts: intron variant (3).
Genome position (GRCh38, 1-based): chr2:178,707,777, G>A on the plus strand (C>T on the coding strand, the complement: TTN is on the minus strand). VCF-style: chr2-178707777-G-A. GRCh37 (hg19) VCF-style: chr2-179572504-G-A.
Other names: c.27839C>T, p.Thr9280Ile (NM_001256850.1); c.25058C>T, p.Thr8353Ile (NM_133378.4); c.13282+30305C>T (NM_003319.4); c.13858+30305C>T (NM_133437.4); c.13657+30305C>T (NM_133432.3); short protein forms T9280I, T9597I, T8353I.
Identifiers: ClinVar variation 4990723 (VCV004990723.1).
Genomic context (GRCh38, chr2:178,707,777, plus strand): 5'-TCAGATCCCTGGACATGGCAGCTGAGCTGCACGTATTCTCCTTCACTCACTGTTACTGGA[G>A]TAAGGTGCTGATCAAATACAGGTGGCTTCTTAGGTTCTGGAATTGAAAAGGTATTTTCAT-3'
Protein context (NP_001254479.2, residues 9587-9607): KKPPVFDQHL[Thr9597Ile]PVTVSEGEYV

ClinVar aggregate classification (germline): Uncertain significance (1 of 4 stars; one submission).

Conditions:
TTN-related disorder. Also called: TTN-related disorders; TTN-related condition; TTN-related disease.

gnomAD v4.1: 9 of 1,612,162 alleles (0.00056%); highest among the groups gnomAD compares: African/African-American, 0.008%; no homozygotes.

Submission:

PreventionGenetics, part of Exact Sciences
Classification: Uncertain significance for TTN-related condition. Last evaluated: 2026-03-09. Review status: criteria provided, single submitter. Criteria: ACMG Guidelines, 2015. Collection method: clinical testing. Allele origin: germline.
Comment: The TTN c.28790C>T variant is predicted to result in the amino acid substitution p.Thr9597Ile. To our knowledge, this variant has not been reported in the literature. This variant is reported in 0.0083% of alleles in individuals of African descent in gnomAD. At this time, the clinical significance of this variant is uncertain due to the absence of conclusive functional and genetic evidence.